The following is an entry in ClinVar:

ClinVar aggregate classification (germline): Conflicting classifications of pathogenicity. Review status: criteria provided, conflicting classifications (1 of 4 stars). 2 submissions from 2 submitters: Uncertain significance (1); Benign (1). Last evaluated 2026-01-27.

Conditions:
Hereditary cancer-predisposing syndrome. Also called: Neoplastic Syndromes, Hereditary; Tumor predisposition; Hereditary Cancer Syndrome; Hereditary neoplastic syndrome. Identifiers: Orphanet 140162, MedGen C0027672, MeSH D009386, MONDO:0015356.
Gorlin syndrome. Also called: Nevoid Basal Cell Carcinoma Syndrome; Basal cell nevus syndrome. Identifiers: Orphanet 377, MedGen C0004779, MONDO:0007187.

Allele frequency attached by ClinVar (database versions not stated): gnomAD 0.00001; gnomAD exomes 0.00001 and 0.00002; TOPMed 0.00001; ExAC 0.00002.
gnomAD v4.1: 10 of 1,613,780 alleles (0.00062%); highest among the groups gnomAD compares: African/African-American, 0.004%; no homozygotes.

Submissions (2):

Labcorp Genetics (formerly Invitae), Labcorp
Classification: Benign for Gorlin syndrome. Last evaluated: 2026-01-27. Review status: criteria provided, single submitter. Criteria: Invitae Variant Classification Sherloc (09022015). Collection method: clinical testing. Allele origin: germline.

Ambry Genetics
Classification: Uncertain significance for Hereditary cancer-predisposing syndrome. Last evaluated: 2025-05-19. Review status: criteria provided, single submitter. Criteria: Ambry Variant Classification Scheme 2023. Collection method: clinical testing. Allele origin: germline.
Comment: The p.D669N variant (also known as c.2005G>A), located in coding exon 14 of the PTCH1 gene, results from a G to A substitution at nucleotide position 2005. The aspartic acid at codon 669 is replaced by asparagine, an amino acid with highly similar properties. This amino acid position is highly conserved in available vertebrate species. In addition, the in silico prediction for this alteration is inconclusive. Since supporting evidence is limited at this time, the clinical significance of this alteration remains unclear.

NM_000264.5(PTCH1):c.2005G>A (p.Asp669Asn)

Genes: PTCH1 (patched 1; minus strand), LOC100507346 (uncharacterized LOC100507346; plus strand). Cytogenetic location: 9q22.32.
Variant type: single nucleotide variant.
Coding change: c.2005G>A on transcript NM_000264.5 (MANE Select); coding-DNA position 2005, G replaced by A.
Protein change: p.Asp669Asn; replaces aspartic acid 669 with asparagine.
Molecular consequence: missense variant. On other transcripts: non-coding transcript variant (2).
Genome position (GRCh38, 1-based): chr9:95,468,996, C>T on the plus strand (G>A on the coding strand, the complement: PTCH1 is on the minus strand). VCF-style: chr9-95468996-C-T. GRCh37 (hg19) VCF-style: chr9-98231278-C-T.
Other names: c.1807G>A, p.Asp603Asn (NM_001083602.3); c.2002G>A, p.Asp668Asn (NM_001083603.3); c.1552G>A, p.Asp518Asn (NM_001083604.3, NM_001083605.3, NM_001083606.3 and 1 more transcripts); c.1849G>A, p.Asp617Asn (NM_001354918.2); short protein forms D603N, D669N, D518N, D668N, D617N.
Identifiers: ClinVar variation 524537 (VCV000524537.10), dbSNP rs772574714, ClinGen allele CA5138465.